The following is an entry in ClinVar:

ClinVar aggregate classification (germline): Uncertain significance (1 of 4 stars; one submission).

Conditions:
Hereditary cancer-predisposing syndrome. Also called: Neoplastic Syndromes, Hereditary; Tumor predisposition; Hereditary neoplastic syndrome; Hereditary Cancer Syndrome. Identifiers: Orphanet 140162, MedGen C0027672, MeSH D009386, MONDO:0015356.

Submission:

Ambry Genetics
Classification: Uncertain significance for Hereditary cancer-predisposing syndrome. Last evaluated: 2018-02-28. Review status: criteria provided, single submitter. Criteria: Ambry Variant Classification Scheme 2023. Collection method: clinical testing. Allele origin: germline.
Comment: The p.E202V variant (also known as c.605A>T), located in coding exon 5 of the APC gene, results from an A to T substitution at nucleotide position 605. The glutamic acid at codon 202 is replaced by valine, an amino acid with dissimilar properties. This amino acid position is well conserved in available vertebrate species. In addition, in silico predictors for this gene do not accurately predict pathogenicity. Since supporting evidence is limited at this time, the clinical significance of this alteration remains unclear.

NM_000038.6(APC):c.605A>T (p.Glu202Val)

Gene: APC (APC regulator of Wnt signaling pathway; plus strand). Cytogenetic location: 5q22.2.
Variant type: single nucleotide variant.
Coding change: c.605A>T on transcript NM_000038.6 (MANE Select); coding-DNA position 605, A replaced by T.
Protein change: p.Glu202Val; replaces glutamic acid 202 with valine.
Molecular consequence: missense variant. On other transcripts: 5 prime UTR variant (1).
Genome position (GRCh38, 1-based): chr5:112,780,863, A>T. VCF-style: chr5-112780863-A-T. GRCh37 (hg19) VCF-style: chr5-112116560-A-T.
Other names: c.605A>T, p.Glu202Val (NM_001127510.3, NM_001354895.2, NM_001354896.2 and 2 more transcripts); c.635A>T, p.Glu212Val (NM_001127511.3, NM_001354897.2, NM_001354902.2); c.530A>T, p.Glu177Val (NM_001354898.2, NM_001354904.2); c.428A>T, p.Glu143Val (NM_001354900.2, NM_001354901.2, NM_001354905.2); c.-431A>T (NM_001354906.2); short protein forms E177V, E143V, E202V, E212V.
Identifiers: ClinVar variation 826163 (VCV000826163.4), dbSNP rs1580380108, ClinGen allele CA16022663.